The following is an entry in ClinVar:

NM_000179.3(MSH6):c.3874_3899del (p.Lys1291_Gly1292insTer)

Gene: MSH6 (mutS homolog 6; plus strand). Cytogenetic location: 2p16.3.
Variant type: Deletion.
Coding change: c.3874_3899del on transcript NM_000179.3 (MANE Select); coding-DNA positions 3874 to 3899, 26 bases deleted (GGAGCTTGTCCTAAAAGCTATGGCTT).
Protein change: p.Lys1291_Gly1292insTer.
Molecular consequence: nonsense. On other transcripts: frameshift variant (1), non-coding transcript variant (5), intron variant (1).
Genome position (GRCh38, 1-based): chr2:47,806,524-47,806,549, GGAGCTTGTCCTAAAAGCTATGGCTT deleted. VCF-style (leftmost placement, unchanged base first): chr2-47806523-GGGAGCTTGTCCTAAAAGCTATGGCTT-G. GRCh37 (hg19) VCF-style: chr2-48033662-GGGAGCTTGTCCTAAAAGCTATGGCTT-G.
Other names: c.3484_3509del, p.Lys1161_Gly1162insTer (NM_001281492.2); c.2968_2993del, p.Lys989_Gly990insTer (NM_001281493.2, NM_001281494.2, NM_001406811.1 and 6 more transcripts); c.3970_3995del, p.Lys1323_Gly1324insTer (NM_001406795.1); c.3874_3899del, p.Lys1291_Gly1292insTer (NM_001406796.1, NM_001406808.1, NM_001406809.1); c.3577_3602del, p.Lys1192_Gly1193insTer (NM_001406797.1, NM_001406801.1, NM_001406805.1 and 10 more transcripts); c.3700_3725del, p.Lys1233_Gly1234insTer (NM_001406798.1); c.3349_3374del, p.Lys1116_Gly1117insTer (NM_001406799.1, NM_001406806.1, NM_001406807.1); c.3861_3886del, p.Arg1287fs (NM_001406800.1); and 9 more; short protein forms R1287fs.
Identifiers: ClinVar variation 3148696 (VCV003148696.1), dbSNP rs2530863898, ClinGen allele CA2825001138.
Genomic context (GRCh38, chr2:47,806,523, plus strand): 5'-AGAAAATGAATGTGAAGACCCCAGCCAGGAGACTATTACGTTCCTCTATAAATTCATTAA[GGGAGCTTGTCCTAAAAGCTATGGCTT>G]TAATGCAGCAAGGCTTGCTAATCTCCCAGAGGAAGTTATTCAAAAGGGACATAGAAAAGC-3'

ClinVar aggregate classification (germline): Pathogenic (1 of 4 stars; one submission).

Conditions:
Lynch syndrome 5 (LYNCH5). Also called: Colorectal cancer, hereditary nonpolyposis, type 5; Hereditary non-polyposis colorectal cancer, type 5. Identifiers: Orphanet 144, MedGen C1833477, MONDO:0013710, OMIM 614350. Disease mechanism: loss of function.

Submission:

Myriad Genetics, Inc.
Classification: Pathogenic for Lynch syndrome 5. Last evaluated: 2024-02-06. Review status: criteria provided, single submitter. Criteria: Myriad Autosomal Dominant, Autosomal Recessive and X-Linked Classification Criteria (2023). Collection method: clinical testing. Allele origin: unknown.
Comment: This variant is considered pathogenic. This variant creates a termination codon and is predicted to result in premature protein truncation.